The following is an entry in ClinVar:

ClinVar aggregate classification (germline): Uncertain significance. Review status: criteria provided, multiple submitters, no conflicts (2 of 4 stars). 8 submissions from 8 submitters: Uncertain significance (8). Last evaluated 2025-06-03.

Conditions:
RYR1-related disorder. Also called: RYR1-related condition; RYR1-related disorders. Identifiers: MedGen CN239331.
Malignant hyperthermia, susceptibility to, 1 (MHS1). Also called: Malignant hyperthermia suceptibility 1; RYR1-Related Malignant Hyperthermia Susceptibility; Anesthesia related hyperthermia; Malignant hyperpyrexia; Fulminating hyperpyrexia; Pharmacogenic myopathy. Identifiers: Orphanet 423, MedGen C2930980, MONDO:0007783, OMIM 145600.
Congenital multicore myopathy with external ophthalmoplegia (CMYO1B). Also called: Congenital myopathy 1B, autosomal recessive; Minicore myopathy; Minicore myopathy with external ophthalmoplegia; MULTIMINICORE DISEASE WITH EXTERNAL OPHTHALMOPLEGIA; MULTICORE MYOPATHY. Identifiers: Orphanet 598, Orphanet 98905, MedGen C1850674, MONDO:0009712, OMIM 255320, HP:0003789.
Central core myopathy (CMYO1A). Also called: CONGENITAL MYOPATHY 1A, AUTOSOMAL DOMINANT, WITH SUSCEPTIBILITY TO MALIGNANT HYPERTHERMIA; Central core disease; Myopathy, central fibrillar. Identifiers: Orphanet 597, MedGen C5830701, MONDO:0007294, OMIM 117000.
Congenital myopathy with fiber type disproportion. Also called: Congenital fiber-type disproportion myopathy; Congenital fiber-type disproportion. Identifiers: Orphanet 2020, MedGen C0546264, MONDO:0009711. Inheritance: all.
King Denborough syndrome (KDS). Identifiers: MedGen C1840365, MONDO:0020485, OMIM 619542.
Inborn genetic diseases. Identifiers: MedGen C0950123, MeSH D030342.

Allele frequency attached by ClinVar (database versions not stated): ExAC 0.00001; gnomAD exomes 0.00002; gnomAD 0.00004; TOPMed 0.00007.
gnomAD v4.1: 34 of 1,613,618 alleles (0.0021%); highest among the groups gnomAD compares: African/African-American, 0.011%; no homozygotes.

Submissions (8):

Ambry Genetics
Classification: Uncertain significance for Inborn genetic diseases. Last evaluated: 2025-06-03. Review status: criteria provided, single submitter. Criteria: Ambry Variant Classification Scheme 2023. Collection method: clinical testing. Allele origin: germline.

Labcorp Genetics (formerly Invitae), Labcorp
Classification: Uncertain significance for RYR1-related disorder. Last evaluated: 2024-12-13. Review status: criteria provided, single submitter. Criteria: Invitae Variant Classification Sherloc (09022015). Collection method: clinical testing. Allele origin: germline.
Comment: This sequence change replaces valine, which is neutral and non-polar, with isoleucine, which is neutral and non-polar, at codon 1190 of the RYR1 protein (p.Val1190Ile). This variant is present in population databases (rs749283427, gnomAD 0.008%). This variant has not been reported in the literature in individuals affected with RYR1-related conditions. ClinVar contains an entry for this variant (Variation ID: 945504). Invitae Evidence Modeling of protein sequence and biophysical properties (such as structural, functional, and spatial information, amino acid conservation, physicochemical variation, residue mobility, and thermodynamic stability) indicates that this missense variant is not expected to disrupt RYR1 protein function with a negative predictive value of 95%. In summary, the available evidence is currently insufficient to determine the role of this variant in disease. Therefore, it has been classified as a Variant of Uncertain Significance.

Blueprint Genetics
Classification: Uncertain significance. Last evaluated: 2024-07-30. Review status: criteria provided, single submitter. Criteria: ACMG Guidelines, 2015. Collection method: clinical testing. Allele origin: germline.

All of Us Research Program, National Institutes of Health
Classification: Uncertain significance for Malignant hyperthermia, susceptibility to, 1. Last evaluated: 2024-03-24. Review status: criteria provided, single submitter. Criteria: ACMG Guidelines, 2015. Collection method: clinical testing. Allele origin: germline. Inheritance: Autosomal dominant inheritance. Observed: 8 variant alleles, 8 heterozygotes.
Comment: This missense variant replaces valine with isoleucine at codon 1190 of the RYR1 protein. Computational prediction suggests that this variant may not impact protein structure and function (internally defined REVEL score threshold <= 0.5, PMID: 27666373). To our knowledge, functional studies have not been reported for this variant. This variant has not been reported in individuals affected with RYR1-related disorders in the literature. This variant has been identified in 7/282494 chromosomes in the general population by the Genome Aggregation Database (gnomAD). The available evidence is insufficient to determine the role of this variant in disease conclusively. Therefore, this variant is classified as a Variant of Uncertain Significance.

This study involves interpretation of variants in research participants for the purpose of population health screening. Participant phenotype was not available at the time of variant classification. Additional details can be found in publication PMID: 35346344, PMCID: PMC8962531

GeneDx
Classification: Uncertain significance. Last evaluated: 2023-12-02. Review status: criteria provided, single submitter. Criteria: GeneDx Variant Classification Process June 2021. Collection method: clinical testing. Allele origin: germline. Affected: yes.
Comment: Not observed at significant frequency in large population cohorts (gnomAD); In silico analysis supports that this missense variant does not alter protein structure/function; Has not been previously published as pathogenic or benign to our knowledge

Color Diagnostics, LLC DBA Color Health
Classification: Uncertain significance for Malignant hyperthermia, susceptibility to, 1. Last evaluated: 2023-11-08. Review status: criteria provided, single submitter. Criteria: ACMG Guidelines, 2015. Collection method: clinical testing. Allele origin: germline.
Comment: This missense variant replaces valine with isoleucine at codon 1190 of the RYR1 protein. Computational prediction suggests that this variant may not impact protein structure and function. To our knowledge, functional studies have not been reported for this variant. This variant has not been reported in individuals affected with RYR1-related disorders in the literature. This variant has been identified in 7/282494 chromosomes in the general population by the Genome Aggregation Database (gnomAD). The available evidence is insufficient to determine the role of this variant in disease conclusively. Therefore, this variant is classified as a Variant of Uncertain Significance.

Revvity Omics, Revvity
Classification: Uncertain significance. Last evaluated: 2023-10-17. Review status: criteria provided, single submitter. Criteria: ACMG Guidelines, 2015. Collection method: clinical testing. Allele origin: germline.

Fulgent Genetics
Classification: Uncertain significance for Central core myopathy; Malignant hyperthermia, susceptibility to, 1; Congenital myopathy 4A, autosomal dominant; Congenital multicore myopathy with external ophthalmoplegia; King Denborough syndrome. Last evaluated: 2021-07-26. Review status: criteria provided, single submitter. Criteria: ACMG Guidelines, 2015. Collection method: clinical testing. Allele origin: unknown.

NM_000540.3(RYR1):c.3568G>A (p.Val1190Ile)

Gene: RYR1 (ryanodine receptor 1; plus strand). Cytogenetic location: 19q13.2.
Variant type: single nucleotide variant.
Coding change: c.3568G>A on transcript NM_000540.3 (MANE Select); coding-DNA position 3568, G replaced by A.
Protein change: p.Val1190Ile; replaces valine 1190 with isoleucine.
Molecular consequence: missense variant.
Genome position (GRCh38, 1-based): chr19:38,469,316, G>A. VCF-style: chr19-38469316-G-A. GRCh37 (hg19) VCF-style: chr19-38959956-G-A.
Other names: c.3568G>A, p.Val1190Ile (NM_001042723.2); short protein forms V1190I.
Identifiers: ClinVar variation 945504 (VCV000945504.14), dbSNP rs749283427, ClinGen allele CA065029.